The following is an entry in ClinVar:

NM_000179.3(MSH6):c.2153G>A (p.Ser718Asn)

Gene: MSH6 (mutS homolog 6; plus strand). Cytogenetic location: 2p16.3.
Variant type: single nucleotide variant.
Coding change: c.2153G>A on transcript NM_000179.3 (MANE Select); coding-DNA position 2153, G replaced by A.
Protein change: p.Ser718Asn; replaces serine 718 with asparagine.
Molecular consequence: missense variant. On other transcripts: non-coding transcript variant (5), intron variant (2).
Genome position (GRCh38, 1-based): chr2:47,800,136, G>A. VCF-style: chr2-47800136-G-A. GRCh37 (hg19) VCF-style: chr2-48027275-G-A.
Other names: c.1763G>A, p.Ser588Asn (NM_001281492.2); c.1247G>A, p.Ser416Asn (NM_001281493.2, NM_001281494.2, NM_001406811.1 and 6 more transcripts); c.2249G>A, p.Ser750Asn (NM_001406795.1, NM_001406802.1); c.2153G>A, p.Ser718Asn (NM_001406796.1, NM_001406798.1, NM_001406800.1 and 3 more transcripts); c.1856G>A, p.Ser619Asn (NM_001406797.1, NM_001406801.1, NM_001406805.1 and 10 more transcripts); c.1628G>A, p.Ser543Asn (NM_001406799.1, NM_001406806.1, NM_001406807.1); c.2075G>A, p.Ser692Asn (NM_001406804.1); c.2159G>A, p.Ser720Asn (NM_001406813.1); and 3 more; short protein forms S416N, S543N, S588N, S619N, S662N, S692N, S718N, S720N.
Identifiers: ClinVar variation 2580424 (VCV002580424.1), dbSNP rs1669427136, ClinGen allele CA346751119.

ClinVar aggregate classification (germline): Uncertain significance (1 of 4 stars; one submission).

Submission:

GeneDx
Classification: Uncertain significance. Last evaluated: 2023-03-22. Review status: criteria provided, single submitter. Criteria: GeneDx Variant Classification Process June 2021. Collection method: clinical testing. Allele origin: germline. Affected: yes.
Comment: Not observed at significant frequency in large population cohorts (gnomAD); In silico analysis supports that this missense variant does not alter protein structure/function; Has not been previously published as pathogenic or benign to our knowledge; This variant is associated with the following publications: (PMID: 17531815, 21120944)